The following is an entry in ClinVar:

NM_007294.4(BRCA1):c.232del (p.Arg78fs)

Gene: BRCA1 (BRCA1 DNA repair associated; minus strand). Cytogenetic location: 17q21.31.
Variant type: Deletion.
Coding change: c.232del on transcript NM_007294.4 (MANE Select); coding-DNA position 232, one base deleted (A; older notation c.232delA).
Protein change: p.Arg78fs; shifts the reading frame from arginine 78.
Molecular consequence: frameshift variant. On other transcripts: non-coding transcript variant (1).
Genome position (GRCh38, 1-based): chr17:43,104,937, T deleted on the plus strand (A on the coding strand, the reverse complement: BRCA1 is on the minus strand). VCF-style (leftmost placement, unchanged base first): chr17-43104936-CT-C. GRCh37 (hg19) VCF-style: chr17-41256953-CT-C.
Other names: 351delA; c.22delA, p.Arg8Aspfs (NM_001407571.1, NM_001407853.1, NM_001407879.1 and 58 more transcripts); c.232delA, p.Arg78Aspfs (NM_001407581.1, NM_001407582.1, NM_001407583.1 and 166 more transcripts); c.154delA, p.Arg52Aspfs (NM_001407653.1, NM_001407654.1, NM_001407655.1 and 21 more transcripts); c.91delA, p.Arg31Aspfs (NM_001407692.1, NM_001407694.1, NM_001407695.1 and 98 more transcripts); c.-150delA (NM_001407959.1, NM_001407960.1, NM_001407962.1 and 4 more transcripts); c.100delA, p.Arg34Aspfs (NM_001408451.1); c.91del, p.Arg31fs (NM_007297.4); and 1 more; short protein forms R78fs, R31fs.
Identifiers: ClinVar variation 54537 (VCV000054537.5), dbSNP rs80357884, ClinGen allele CA001555.

ClinVar aggregate classification (germline): Pathogenic. Review status: reviewed by expert panel (3 of 4 stars). 3 submissions from 3 submitters: Pathogenic (1). 2 of the submissions do not count toward it. Last evaluated 2016-09-08.

Conditions:
Breast-ovarian cancer, familial, susceptibility to, 1 (BROVCA1). Also called: OVARIAN CANCER, SUSCEPTIBILITY TO; BRCA1 Hereditary Breast and Ovarian Cancer. Identifiers: Orphanet 145, MedGen C2676676, MONDO:0011450, OMIM 604370. Disease mechanism: loss of function.

Submissions (3):

Evidence-based Network for the Interpretation of Germline Mutant Alleles (ENIGMA)
Classification: Pathogenic for Breast-ovarian cancer, familial, susceptibility to, 1. Last evaluated: 2016-09-08. Review status: reviewed by expert panel. Criteria: ENIGMA BRCA1/2 Classification Criteria (2015). Collection method: curation. Allele origin: germline.
Comment: Variant allele predicted to encode a truncated non-functional protein.

Consortium of Investigators of Modifiers of BRCA1/2 (CIMBA), c/o University of Cambridge
Classification: Pathogenic for Breast-ovarian cancer, familial, susceptibility to, 1. Last evaluated: 2015-10-02. Review status: criteria provided, single submitter. Criteria: CIMBA Mutation Classification guidelines May 2016. Collection method: clinical testing. Allele origin: germline. Not counted in ClinVar's aggregate classification.

Breast Cancer Information Core (BIC) (BRCA1)
Classification: Pathogenic for Breast-ovarian cancer, familial 1. Last evaluated: 1998-08-26. Review status: no assertion criteria provided. Collection method: clinical testing. Allele origin: germline. Affected: yes. Observed: 1 variant allele. Not counted in ClinVar's aggregate classification.